The following is an entry in ClinVar:

ClinVar aggregate classification (germline): Pathogenic (1 of 4 stars; one submission).

Submission:

Dasa
Classification: Pathogenic. Last evaluated: 2025-11-16. Review status: criteria provided, single submitter. Criteria: DASA Assertion Criteria. Collection method: clinical testing. Allele origin: germline.
Comment: NM_014319.5(LEMD3):c.2282del (p.Pro761Leufs*12) is a frameshift variant in LEMD3 predicted to alter the reading frame and introduce a premature termination codon and is predicted to result in an absent or altered protein product. Loss of function is an established disease mechanism for LEMD3 (PMID: 15489854; PMID: 17087626; PMID: 19438932). Also, this variant is absent from population databases. Based on the currently available evidence, this variant is classified as pathogenic.

Literature cited by the submitters: PubMed 15489854; PubMed 17087626; PubMed 19438932.

NM_014319.5(LEMD3):c.2282del (p.Pro761fs)

Gene: LEMD3 (LEM domain containing 3; plus strand). Cytogenetic location: 12q14.3.
Variant type: Deletion.
Coding change: c.2282del on transcript NM_014319.5 (MANE Select); coding-DNA position 2282, one base deleted (C; older notation c.2282delC).
Protein change: p.Pro761fs; shifts the reading frame from proline 761.
Molecular consequence: frameshift variant.
Genome position (GRCh38, 1-based): chr12:65,241,064, C deleted; the last of 2 consecutive C bases (chr12:65,241,063-65,241,064); deleting either gives the same sequence. VCF-style (leftmost placement, unchanged base first): chr12-65241062-AC-A. GRCh37 (hg19) VCF-style: chr12-65634842-AC-A.
Other names: c.2279del, p.Pro760fs (NM_001167614.2); short protein forms P760fs, P761fs.
Identifiers: ClinVar variation 4856832 (VCV004856832.2).